The following is an entry in ClinVar:

NM_005585.5(SMAD6):c.142C>T (p.Arg48Trp)

Gene: SMAD6 (SMAD family member 6; plus strand). Cytogenetic location: 15q22.31.
Variant type: single nucleotide variant.
Coding change: c.142C>T on transcript NM_005585.5 (MANE Select); coding-DNA position 142, C replaced by T.
Protein change: p.Arg48Trp; replaces arginine 48 with tryptophan.
Molecular consequence: missense variant. On other transcripts: non-coding transcript variant (1).
Genome position (GRCh38, 1-based): chr15:66,703,400, C>T. VCF-style: chr15-66703400-C-T. GRCh37 (hg19) VCF-style: chr15-66995738-C-T.
Other names: short protein forms R48W.
Identifiers: ClinVar variation 2742001 (VCV002742001.3), dbSNP rs1595756495, ClinGen allele CA392948696.

ClinVar aggregate classification (germline): Uncertain significance (1 of 4 stars; one submission).

Conditions:
Aortic valve disease 2 (AOVD2). Identifiers: MedGen C3542024, MONDO:0013902, OMIM 614823.

gnomAD v4.1: 4 of 1,394,822 alleles (0.00029%); highest among the groups gnomAD compares: Admixed American, 0.0034%; no homozygotes.

Submission:

Labcorp Genetics (formerly Invitae), Labcorp
Classification: Uncertain significance for Aortic valve disease 2. Last evaluated: 2023-11-14. Review status: criteria provided, single submitter. Criteria: Invitae Variant Classification Sherloc (09022015). Collection method: clinical testing. Allele origin: germline.
Comment: This sequence change replaces arginine, which is basic and polar, with tryptophan, which is neutral and slightly polar, at codon 48 of the SMAD6 protein (p.Arg48Trp). This variant is not present in population databases (gnomAD no frequency). This variant has not been reported in the literature in individuals affected with SMAD6-related conditions. An algorithm developed to predict the effect of missense changes on protein structure and function (PolyPhen-2) suggests that this variant is likely to be disruptive. In summary, the available evidence is currently insufficient to determine the role of this variant in disease. Therefore, it has been classified as a Variant of Uncertain Significance.